The following is an entry in ClinVar:

NM_015474.4(SAMHD1):c.1022_1028del (p.Val340_Cys341insTer)

Gene: SAMHD1 (SAM and HD domain containing deoxynucleoside triphosphate triphosphohydrolase 1; minus strand). Cytogenetic location: 20q11.23.
Variant type: Deletion.
Coding change: c.1022_1028del on transcript NM_015474.4 (MANE Select); coding-DNA positions 1022 to 1028, 7 bases deleted (GTGAAGT; older notation c.1022_1028delGTGAAGT).
Protein change: p.Val340_Cys341insTer.
Molecular consequence: nonsense.
Genome position (GRCh38, 1-based): chr20:36,916,756-36,916,762, ACTTCAC deleted on the plus strand (GTGAAGT on the coding strand, the reverse complement: SAMHD1 is on the minus strand); deleting any 7 consecutive bases within chr20:36,916,756-36,916,763 gives the same sequence; the c. name uses the placement nearest the transcript's 3' end. VCF-style (leftmost placement, unchanged base first): chr20-36916755-TACTTCAC-T. GRCh37 (hg19) VCF-style: chr20-35545158-TACTTCAC-T.
Other names: c.1022_1028del, p.Val340_Cys341insTer (NM_001363729.2, NM_001363733.2); c.1022_1028delGTGAAGT (NM_015474.3).
Identifiers: ClinVar variation 943467 (VCV000943467.8), dbSNP rs2063478568, ClinGen allele CA1139666690.

ClinVar aggregate classification (germline): Pathogenic/Likely pathogenic. Review status: criteria provided, multiple submitters, no conflicts (2 of 4 stars). 2 submissions from 2 submitters: Pathogenic (1); Likely pathogenic (1). Last evaluated 2025-03-17.

Conditions:
Aicardi-Goutieres syndrome 5. Identifiers: Orphanet 51, MedGen C2749659, MONDO:0013059, OMIM 612952.
Aicardi Goutieres syndrome (AGS). Also called: Encephalopathy, familial infantile, with calcification of basal ganglia and chronic cerebrospinal fluid lymphocytosis. Identifiers: Orphanet 51, MedGen C0393591, MONDO:0018866.

Submissions (2):

Natera, Inc.
Classification: Likely pathogenic for Aicardi-Goutieres syndrome. Last evaluated: 2025-03-17. Review status: criteria provided, single submitter. Criteria: Natera Variant Classification Schema (03/2026). Collection method: clinical testing. Allele origin: germline.
Comment: The c.1022_1028delGTGAAGT variant in SAMHD1 is a frameshift variant predicted to shift the reading frame and introduce a stop codon. This variant is expected to result in nonsense mediated decay, truncation, or a dysfunctional protein product. This variant is rare in the general population with a frequency below the threshold expected for the associated phenotype(s). Given the available evidence, this variant is classified as Likely Pathogenic.

Labcorp Genetics (formerly Invitae), Labcorp
Classification: Pathogenic for Aicardi-Goutieres syndrome 5. Last evaluated: 2019-06-29. Review status: criteria provided, single submitter. Criteria: Invitae Variant Classification Sherloc (09022015). Collection method: clinical testing. Allele origin: germline.
Comment: This sequence change creates a premature translational stop signal (p.Cys341*) in the SAMHD1 gene. It is expected to result in an absent or disrupted protein product. This variant is not present in population databases (ExAC no frequency). This variant has not been reported in the literature in individuals with SAMHD1-related conditions. Loss-of-function variants in SAMHD1 are known to be pathogenic (PMID: 19525956, 22461318). For these reasons, this variant has been classified as Pathogenic.

Literature cited by the submitters: PubMed 19525956 (cited by Labcorp Genetics (formerly Invitae), Labcorp); PubMed 22461318 (cited by Labcorp Genetics (formerly Invitae), Labcorp).